The following is an entry in ClinVar:

NM_033056.4(PCDH15):c.4548A>C (p.Leu1516=)

Gene: PCDH15 (protocadherin related 15; minus strand). Cytogenetic location: 10q21.1.
Variant type: single nucleotide variant.
Coding change: c.4548A>C on transcript NM_033056.4 (MANE Plus Clinical); coding-DNA position 4548, A replaced by C.
Protein change: p.Leu1516=; no amino-acid change (leucine 1516 retained).
Molecular consequence: synonymous variant. On other transcripts: intron variant (8).
Genome position (GRCh38, 1-based): chr10:53,823,178, T>G on the plus strand (A>C on the coding strand, the complement: PCDH15 is on the minus strand). VCF-style: chr10-53823178-T-G. GRCh37 (hg19) VCF-style: chr10-55582938-T-G.
Other names: c.4569A>C, p.Leu1523= (NM_001142763.2); c.4554A>C, p.Leu1518= (NM_001142764.2); c.4341A>C, p.Leu1447= (NM_001142765.2); c.4539A>C, p.Leu1513= (NM_001142766.2); c.4428A>C, p.Leu1476= (NM_001142767.2); c.4488A>C, p.Leu1496= (NM_001142768.2); c.4479A>C, p.Leu1493= (NM_001142773.2); c.4482A>C, p.Leu1494= (NM_001354404.2); and 6 more.
Identifiers: ClinVar variation 3691921 (VCV003691921.3).

ClinVar aggregate classification (germline): Likely benign. Review status: criteria provided, multiple submitters, no conflicts (2 of 4 stars). 2 submissions from 2 submitters: Likely benign (2). Last evaluated 2025-02-21.

Conditions:
PCDH15-related disorder. Also called: PCDH15-related disorders; PCDH15-related condition.

gnomAD v4.1: 1 of 1,614,072 alleles (0.000062%); no homozygotes.

Submissions (2):

PreventionGenetics, part of Exact Sciences
Classification: Likely benign for PCDH15-related condition. Last evaluated: 2025-02-21. Review status: criteria provided, single submitter. Criteria: ACMG Guidelines, 2015. Collection method: clinical testing. Allele origin: germline.
Comment: This variant is classified as likely benign based on ACMG/AMP sequence variant interpretation guidelines (Richards et al. 2015 PMID: 25741868, with internal and published modifications).

Labcorp Genetics (formerly Invitae), Labcorp
Classification: Likely benign. Last evaluated: 2024-03-13. Review status: criteria provided, single submitter. Criteria: Invitae Variant Classification Sherloc (09022015). Collection method: clinical testing. Allele origin: germline.